The following is an entry in ClinVar:

NM_000136.3(FANCC):c.191T>G (p.Phe64Cys)

Gene: FANCC (FA complementation group C; minus strand). Cytogenetic location: 9q22.32.
Variant type: single nucleotide variant.
Coding change: c.191T>G on transcript NM_000136.3 (MANE Select); coding-DNA position 191, T replaced by G.
Protein change: p.Phe64Cys; replaces phenylalanine 64 with cysteine.
Molecular consequence: missense variant.
Genome position (GRCh38, 1-based): chr9:95,247,491, A>C on the plus strand (T>G on the coding strand, the complement: FANCC is on the minus strand). VCF-style: chr9-95247491-A-C. GRCh37 (hg19) VCF-style: chr9-98009773-A-C.
Other names: p.F64C:TTC>TGC; c.191T>G, p.Phe64Cys (NM_001243743.2, NM_001243744.2); short protein forms F64C.
Identifiers: ClinVar variation 182494 (VCV000182494.21), dbSNP rs375921240, ClinGen allele CA299209.
Genomic context (GRCh38, chr9:95,247,491, plus strand): 5'-CCATATGCTAAAATAAAAGGATTCCAACAAGCTTTTGCCAACAGTTGACCAATTGTGGGG[A>C]ATCTTTCAATGACTGTATTAGAATCCTGTGAAAGAAAAATAAATTTTGGTCAGTAAAGGC-3'
Protein context (NP_000127.2, residues 54-74): EMDSNTVIER[Phe64Cys]PTIGQLLAKA

ClinVar aggregate classification (germline): Uncertain significance. Review status: criteria provided, multiple submitters, no conflicts (2 of 4 stars). 6 submissions from 6 submitters: Uncertain significance (5). 1 of the submissions does not count toward it. Last evaluated 2025-03-19.

Conditions:
Hereditary cancer-predisposing syndrome. Also called: Tumor predisposition; Hereditary Cancer Syndrome; Hereditary neoplastic syndrome; Neoplastic Syndromes, Hereditary. Identifiers: Orphanet 140162, MedGen C0027672, MeSH D009386, MONDO:0015356.
Fanconi anemia (FA). Also called: Fanconi's anemia. Identifiers: Orphanet 84, MedGen C0015625, MeSH D005199, MONDO:0019391.
Fanconi anemia complementation group C (FANCC). Also called: FANCONI PANCYTOPENIA, TYPE 3; FACC; FANCC-Related Fanconi Anemia; Fanconi anemia, group C. Identifiers: Orphanet 84, MedGen C3468041, MONDO:0009213, OMIM 227645.

Allele frequency attached by ClinVar (database versions not stated): gnomAD exomes 0.00001 and 0.00002; ExAC 0.00002; gnomAD 0.00003; TOPMed 0.00003; ESP Exome Variant Server 0.00008.
gnomAD v4.1: 15 of 1,613,540 alleles (0.00093%); highest among the groups gnomAD compares: Non-Finnish European, 0.0012%; no homozygotes.

Submissions (6):

GeneDx
Classification: Uncertain significance. Last evaluated: 2025-03-19. Review status: criteria provided, single submitter. Criteria: GeneDx Variant Classification Process June 2021. Collection method: clinical testing. Allele origin: germline. Affected: yes.
Comment: Not observed at significant frequency in large population cohorts (gnomAD); In silico analysis supports that this missense variant has a deleterious effect on protein structure/function; Observed in patients with breast, ovarian, head/neck, and other cancers in published literature (PMID: 26580448, 28678401, 34326862); This variant is associated with the following publications: (PMID: 26580448, 28678401, 34326862, Gordon2000[Book], 34864095)

Quest Diagnostics Nichols Institute San Juan Capistrano
Classification: Uncertain significance. Last evaluated: 2024-11-21. Review status: criteria provided, single submitter. Criteria: Quest Diagnostics criteria. Collection method: clinical testing. Allele origin: unknown.
Comment: The FANCC c.191T>G (p.Phe64Cys) variant has been reported in the published literature in individuals affected with breast and ovarian cancer (PMID: 34326862 (2021)), head and neck squamous cell carcinoma (PMID: 28678401 (2017)), and neuroblastoma (PMID: 26580448 (2015)). This variant was also identified in reportedly healthy individuals (PMIDs: 32546565 (2021), 35884425 (2022), 37349538 (2023)). The frequency of this variant in the general population, 0.000035 (4/113338 chromosomes (Genome Aggregation Database)), is uninformative in the assessment of its pathogenicity. Analysis of this variant using bioinformatics tools for the prediction of the effect of amino acid changes on protein structure and function yielded conflicting predictions that this variant is benign or damaging. Based on the available information, we are unable to determine the clinical significance of this variant.

Ambry Genetics
Classification: Uncertain significance for Hereditary cancer-predisposing syndrome. Last evaluated: 2023-12-18. Review status: criteria provided, single submitter. Criteria: Ambry Variant Classification Scheme 2023. Collection method: clinical testing. Allele origin: germline.
Comment: The p.F64C variant (also known as c.191T>G), located in coding exon 2 of the FANCC gene, results from a T to G substitution at nucleotide position 191. The phenylalanine at codon 64 is replaced by cysteine, an amino acid with highly dissimilar properties. This variant has been reported in 1/1120 pediatric cancer patients who underwent whole genome sequencing and/or whole exome sequencing; this patient was diagnosed with a neuroblastoma (Zhang J et al. N Engl J Med, 2015 Dec;373:2336-2346). This alteration was also reported in 1/647 individuals with head and neck squamous cell carcinoma diagnosed under age 50 (Chandrasekharappa SC et al. Cancer, 2017 Oct;123:3943-3954). This amino acid position is highly conserved in available vertebrate species. In addition, the in silico prediction for this alteration is inconclusive. Since supporting evidence is limited at this time, the clinical significance of this alteration remains unclear.

Labcorp Genetics (formerly Invitae), Labcorp
Classification: Uncertain significance for Fanconi anemia. Last evaluated: 2022-07-15. Review status: criteria provided, single submitter. Criteria: Invitae Variant Classification Sherloc (09022015). Collection method: clinical testing. Allele origin: germline.
Comment: This sequence change replaces phenylalanine, which is neutral and non-polar, with cysteine, which is neutral and slightly polar, at codon 64 of the FANCC protein (p.Phe64Cys). This variant is present in population databases (rs375921240, gnomAD 0.003%). This variant has not been reported in the literature in individuals affected with FANCC-related conditions. ClinVar contains an entry for this variant (Variation ID: 182494). Algorithms developed to predict the effect of missense changes on protein structure and function (SIFT, PolyPhen-2, Align-GVGD) all suggest that this variant is likely to be disruptive. In summary, the available evidence is currently insufficient to determine the role of this variant in disease. Therefore, it has been classified as a Variant of Uncertain Significance.

Fulgent Genetics
Classification: Uncertain significance for Fanconi anemia complementation group C. Last evaluated: 2022-05-16. Review status: criteria provided, single submitter. Criteria: ACMG Guidelines, 2015. Collection method: clinical testing. Allele origin: unknown.

Natera, Inc.
Classification: Uncertain significance for Fanconi anemia. Last evaluated: 2018-10-23. Review status: no assertion criteria provided. Collection method: clinical testing. Allele origin: germline. Not counted in ClinVar's aggregate classification.

Literature cited by the submitters: PubMed 26580448 (cited by Quest Diagnostics Nichols Institute San Juan Capistrano and Ambry Genetics); PubMed 28678401 (cited by Quest Diagnostics Nichols Institute San Juan Capistrano and Ambry Genetics); PubMed 32546565 (cited by Quest Diagnostics Nichols Institute San Juan Capistrano); PubMed 35884425 (cited by Quest Diagnostics Nichols Institute San Juan Capistrano); PubMed 37349538 (cited by Quest Diagnostics Nichols Institute San Juan Capistrano); PubMed 34326862 (cited by Quest Diagnostics Nichols Institute San Juan Capistrano); PubMed 11520787 (cited by Quest Diagnostics Nichols Institute San Juan Capistrano).